The following is an entry in ClinVar:

NM_001292063.2(OTOG):c.94+51G>A

Gene: OTOG (otogelin; plus strand). Cytogenetic location: 11p15.1.
Variant type: single nucleotide variant.
Coding change: c.94+51G>A on transcript NM_001292063.2 (MANE Select); 51 bases into the intron after coding-DNA position 94, G replaced by A.
Molecular consequence: intron variant. On other transcripts: missense variant (1).
Genome position (GRCh38, 1-based): chr11:17,547,517, G>A. VCF-style: chr11-17547517-G-A. GRCh37 (hg19) VCF-style: chr11-17569064-G-A.
Other names: c.145G>A, p.Val49Ile (NM_001277269.2); short protein forms V49I.
Identifiers: ClinVar variation 1525622 (VCV001525622.6), dbSNP rs764004379, ClinGen allele CA5905311.

ClinVar aggregate classification (germline): Uncertain significance (1 of 4 stars; one submission).

Allele frequency attached by ClinVar (database versions not stated): gnomAD 0.00001.

Submission:

Labcorp Genetics (formerly Invitae), Labcorp
Classification: Uncertain significance. Last evaluated: 2024-03-14. Review status: criteria provided, single submitter. Criteria: Invitae Variant Classification Sherloc (09022015). Collection method: clinical testing. Allele origin: germline.
Comment: This sequence change replaces valine, which is neutral and non-polar, with isoleucine, which is neutral and non-polar, at codon 49 of the OTOG protein (p.Val49Ile). This variant is not present in population databases (gnomAD no frequency). This variant has not been reported in the literature in individuals affected with OTOG-related conditions. ClinVar contains an entry for this variant (Variation ID: 1525622). Algorithms developed to predict the effect of missense changes on protein structure and function output the following: SIFT: "Not Available"; PolyPhen-2: "Benign"; Align-GVGD: "Not Available". The isoleucine amino acid residue is found in multiple mammalian species, which suggests that this missense change does not adversely affect protein function. In summary, the available evidence is currently insufficient to determine the role of this variant in disease. Therefore, it has been classified as a Variant of Uncertain Significance.